The following is an entry in ClinVar:

NM_001278116.2(L1CAM):c.1842G>A (p.Pro614=)

Gene: L1CAM (L1 cell adhesion molecule; minus strand). Cytogenetic location: Xq28.
Variant type: single nucleotide variant.
Coding change: c.1842G>A on transcript NM_001278116.2 (MANE Select); coding-DNA position 1842, G replaced by A.
Protein change: p.Pro614=; no amino-acid change (proline 614 retained).
Molecular consequence: synonymous variant.
Genome position (GRCh38, 1-based): chrX:153,867,897, C>T on the plus strand (G>A on the coding strand, the complement: L1CAM is on the minus strand). VCF-style: chrX-153867897-C-T. GRCh37 (hg19) VCF-style: chrX-153133352-C-T.
Other names: c.1842G>A, p.Pro614= (NM_000425.5, NM_024003.3); c.1827G>A, p.Pro609= (NM_001143963.2).
Identifiers: ClinVar variation 1634945 (VCV001634945.32), dbSNP rs2064729357, ClinGen allele CA519343703.
Genomic context (GRCh38, chrX:153,867,897, plus strand): 5'-GGACACGCGCACCTGGCTCTGCGTCAGCAGGTGCAGGTCGGACAGCACCAGCCGTGGCAC[C>T]GGCCCAGGGCTCCCTGAGGGTGGGGAGGGTCGGTGCTTGAAAGGGCCCAGGGATGTGAGC-3'
Protein context (NP_001265045.1, residues 604-624): AQLLVVGSPG[Pro614=]VPRLVLSDLH

ClinVar aggregate classification (germline): Likely benign. Review status: criteria provided, multiple submitters, no conflicts (2 of 4 stars). 2 submissions from 2 submitters: Likely benign (2). Last evaluated 2024-02-23.

Conditions:
Spastic paraplegia. Identifiers: MedGen C0037772, HP:0001258.

Allele frequency attached by ClinVar (database versions not stated): gnomAD exomes below 0.00001.
gnomAD v4.1: 3 of 1,209,963 alleles (0.00025%); highest among the groups gnomAD compares: Middle Eastern, 0.023%; no homozygotes.

Submissions (2):

Labcorp Genetics (formerly Invitae), Labcorp
Classification: Likely benign for Spastic paraplegia. Last evaluated: 2024-02-23. Review status: criteria provided, single submitter. Criteria: Invitae Variant Classification Sherloc (09022015). Collection method: clinical testing. Allele origin: germline.

CeGaT Center for Human Genetics Tuebingen
Classification: Likely benign. Last evaluated: 2022-10-01. Review status: criteria provided, single submitter. Criteria: CeGaT Center For Human Genetics Tuebingen Variant Classification Criteria Version 2. Collection method: clinical testing. Allele origin: germline. Affected: yes. Observed: 1 variant allele.
Comment: L1CAM: PM2:Supporting, BP4, BP7